The following is an entry in ClinVar:

ClinVar aggregate classification (germline): Uncertain significance (1 of 4 stars; one submission).

Conditions:
Cardiovascular phenotype. Identifiers: MedGen CN230736.

Submission:

Ambry Genetics
Classification: Uncertain significance for Cardiovascular phenotype. Last evaluated: 2025-01-16. Review status: criteria provided, single submitter. Criteria: Ambry Variant Classification Scheme 2023. Collection method: clinical testing. Allele origin: germline.
Comment: The p.S1847G variant (also known as c.5539A>G), located in coding exon 22 of the AKAP9 gene, results from an A to G substitution at nucleotide position 5539. The serine at codon 1847 is replaced by glycine, an amino acid with similar properties. This amino acid position is conserved. In addition, this alteration is predicted to be tolerated by in silico analysis. Based on the available evidence, the clinical significance of this variant remains unclear.

NM_005751.5(AKAP9):c.5539A>G (p.Ser1847Gly)

Gene: AKAP9 (A-kinase anchoring protein 9; plus strand). Cytogenetic location: 7q21.2.
Variant type: single nucleotide variant.
Coding change: c.5539A>G on transcript NM_005751.5 (MANE Select); coding-DNA position 5539, A replaced by G.
Protein change: p.Ser1847Gly; replaces serine 1847 with glycine.
Molecular consequence: missense variant.
Genome position (GRCh38, 1-based): chr7:92,052,896, A>G. VCF-style: chr7-92052896-A-G. GRCh37 (hg19) VCF-style: chr7-91682210-A-G.
Other names: c.5539A>G, p.Ser1847Gly (NM_147185.3); short protein forms S1847G.
Identifiers: ClinVar variation 3849393 (VCV003849393.1).